The following is an entry in ClinVar:

NM_001040108.2(MLH3):c.3406G>A (p.Glu1136Lys)

Gene: MLH3 (mutL homolog 3; minus strand). Cytogenetic location: 14q24.3.
Variant type: single nucleotide variant.
Coding change: c.3406G>A on transcript NM_001040108.2 (MANE Select); coding-DNA position 3406, G replaced by A.
Protein change: p.Glu1136Lys; replaces glutamic acid 1136 with lysine.
Molecular consequence: missense variant.
Genome position (GRCh38, 1-based): chr14:75,041,674, C>T on the plus strand (G>A on the coding strand, the complement: MLH3 is on the minus strand). VCF-style: chr14-75041674-C-T. GRCh37 (hg19) VCF-style: chr14-75508377-C-T.
Other names: c.3406G>A (NM_001040108.1, NM_014381.2); c.3406G>A, p.Glu1136Lys (NM_014381.3); short protein forms E1136K.
Identifiers: ClinVar variation 1011532 (VCV001011532.18), dbSNP rs113490514, ClinGen allele CA263645871.

ClinVar aggregate classification (germline): Conflicting classifications of pathogenicity. Review status: criteria provided, conflicting classifications (1 of 4 stars). 7 submissions from 7 submitters: Uncertain significance (6); Benign (1). Last evaluated 2025-06-29.

Conditions:
Ovarian cancer. Also called: OVARIAN CANCER, SOMATIC. Identifiers: Orphanet 213500, MedGen C1140680, MONDO:0008170, OMIM 167000.
Colorectal cancer, hereditary nonpolyposis, type 7. Identifiers: Orphanet 144, MedGen C1858380, MONDO:0013725, OMIM 614385.
Endometrial carcinoma. Also called: Endometrial carcinoma, somatic. Identifiers: MedGen C0476089, MONDO:0002447, OMIM 608089, HP:0012114.
Colorectal cancer. Also called: Malignant Colorectal Neoplasm; Colorectal cancer, somatic. Identifiers: MedGen C0346629, MONDO:0005575, OMIM 114500.
MLH3-related disorder. Also called: MLH3-related condition.

Allele frequency attached by ClinVar (database versions not stated): gnomAD exomes 0.00002; gnomAD 0.00004; TOPMed 0.00004.
gnomAD v4.1: 28 of 1,613,838 alleles (0.0017%); highest among the groups gnomAD compares: African/African-American, 0.012%; no homozygotes.

Submissions (7):

Ambry Genetics
Classification: Uncertain significance. Last evaluated: 2025-06-29. Review status: criteria provided, single submitter. Criteria: Ambry Variant Classification Scheme 2023. Collection method: clinical testing. Allele origin: germline.
Comment: The p.E1136K variant (also known as c.3406G>A), located in coding exon 3 of the MLH3 gene, results from a G to A substitution at nucleotide position 3406. The glutamic acid at codon 1136 is replaced by lysine, an amino acid with similar properties. This amino acid position is not well conserved in available vertebrate species. In addition, this alteration is predicted to be tolerated by in silico analysis. The evidence for this gene-disease relationship is limited; therefore, the clinical significance of this alteration is unclear.

ARUP Laboratories, Molecular Genetics and Genomics, ARUP Laboratories
Classification: Uncertain significance. Last evaluated: 2025-05-06. Review status: criteria provided, single submitter. Criteria: ARUP Molecular Germline Variant Investigation Process 2024. Collection method: clinical testing. Allele origin: germline.
Comment: The MLH3 c.3406G>A; p.Glu1136Lys variant (rs113490514), to our knowledge, is not reported in the medical literature but is reported in ClinVar (Variation ID: 1011532). This variant is found in the general population with an overall allele frequency of 0.002% (7/282816 alleles) in the Genome Aggregation Database (v2.1.1). Computational analyses predict that this variant is neutral (REVEL: 0.144). Due to limited information, the clinical significance of this variant is uncertain at this time.

Labcorp Genetics (formerly Invitae), Labcorp
Classification: Uncertain significance for Colorectal cancer, hereditary nonpolyposis, type 7. Last evaluated: 2024-10-24. Review status: criteria provided, single submitter. Criteria: Invitae Variant Classification Sherloc (09022015). Collection method: clinical testing. Allele origin: germline.
Comment: This sequence change replaces glutamic acid, which is acidic and polar, with lysine, which is basic and polar, at codon 1136 of the MLH3 protein (p.Glu1136Lys). This variant is present in population databases (rs113490514, gnomAD 0.02%). This variant has not been reported in the literature in individuals affected with MLH3-related conditions. ClinVar contains an entry for this variant (Variation ID: 1011532). An algorithm developed to predict the effect of missense changes on protein structure and function outputs the following: PolyPhen-2: "Benign". The lysine amino acid residue is found in multiple mammalian species, which suggests that this missense change does not adversely affect protein function. In summary, the available evidence is currently insufficient to determine the role of this variant in disease. Therefore, it has been classified as a Variant of Uncertain Significance.

Fulgent Genetics
Classification: Uncertain significance for Colorectal cancer; Endometrial carcinoma; Colorectal cancer, hereditary nonpolyposis, type 7. Last evaluated: 2024-02-17. Review status: criteria provided, single submitter. Criteria: ACMG Guidelines, 2015. Collection method: clinical testing. Allele origin: germline.

PreventionGenetics, part of Exact Sciences
Classification: Uncertain significance for MLH3-related condition. Last evaluated: 2023-08-09. Review status: criteria provided, single submitter. Criteria: ACMG Guidelines, 2015. Collection method: clinical testing. Allele origin: germline.
Comment: The MLH3 c.3406G>A variant is predicted to result in the amino acid substitution p.Glu1136Lys. To our knowledge, this variant has not been reported in the literature. This variant is reported in 0.016% of alleles in individuals of African descent in gnomAD. It has conflicting interpretations of benign and uncertain in ClinVar. At this time, the clinical significance of this variant is uncertain due to the absence of conclusive functional and genetic evidence.

Laboratory of Molecular Epidemiology of Birth Defects, West China Second University Hospital, Sichuan University
Classification: Benign for Ovarian cancer. Last evaluated: 2022-01-01. Review status: criteria provided, single submitter. Criteria: ACMG Guidelines, 2015. Collection method: clinical testing. Allele origin: germline. Affected: yes.

Department of Pathology and Laboratory Medicine, Sinai Health System
Classification: Uncertain significance for Colorectal cancer; Endometrial carcinoma; Colorectal cancer, hereditary nonpolyposis, type 7. Last evaluated: 2021-05-31. Review status: criteria provided, single submitter. Criteria: ACMG Guidelines, 2015. Collection method: clinical testing. Allele origin: germline. Affected: yes.